The following is an entry in ClinVar:

ClinVar aggregate classification (germline): Likely benign. Review status: criteria provided, multiple submitters, no conflicts (2 of 4 stars). 2 submissions from 2 submitters: Likely benign (2). Last evaluated 2025-04-01.

Allele frequency attached by ClinVar (database versions not stated): gnomAD exomes 0.00003; ExAC 0.00006; TOPMed 0.00010; gnomAD 0.00013; 1000 Genomes Project 30x 0.00016; 1000 Genomes Project 0.00020.

Submissions (2):

Labcorp Genetics (formerly Invitae), Labcorp
Classification: Likely benign. Last evaluated: 2025-04-01. Review status: criteria provided, single submitter. Criteria: Invitae Variant Classification Sherloc (09022015). Collection method: clinical testing. Allele origin: germline.

CeGaT Center for Human Genetics Tuebingen
Classification: Likely benign. Last evaluated: 2023-07-01. Review status: criteria provided, single submitter. Criteria: CeGaT Center For Human Genetics Tuebingen Variant Classification Criteria Version 2. Collection method: clinical testing. Allele origin: germline. Affected: yes. Observed: 1 variant allele.
Comment: CACNA1B: BP4, BP7

NM_000718.4(CACNA1B):c.5161C>T (p.Leu1721=)

Gene: CACNA1B (calcium voltage-gated channel subunit alpha1 B; plus strand). Cytogenetic location: 9q34.3.
Variant type: single nucleotide variant.
Coding change: c.5161C>T on transcript NM_000718.4 (MANE Select); coding-DNA position 5161, C replaced by T.
Protein change: p.Leu1721=; no amino-acid change (leucine 1721 retained).
Molecular consequence: synonymous variant.
Genome position (GRCh38, 1-based): chr9:138,096,550, C>T. VCF-style: chr9-138096550-C-T. GRCh37 (hg19) VCF-style: chr9-140991002-C-T.
Other names: c.5161C>T, p.Leu1721= (NM_001243812.2).
Identifiers: ClinVar variation 2084051 (VCV002084051.29), dbSNP rs201483132, ClinGen allele CA5377264.
Genomic context (GRCh38, chr9:138,096,550, plus strand): 5'-AACCTCTTTGTGGCTGTGATCATGGACAATTTTGAGTACCTCACGCGGGACTCTTCCATC[C>T]TAGGTCCTCACCACTTGGATGAGTTCATCCGGGTCTGGGCTGAATACGACCCGGCTGCGT-3'
Protein context (NP_000709.1, residues 1711-1731): FEYLTRDSSI[Leu1721=]GPHHLDEFIR